The following is an entry in ClinVar:

ClinVar aggregate classification (germline): Likely pathogenic. Review status: no assertion criteria provided (0 of 4 stars). 2 submissions from 2 submitters: Likely pathogenic (1). 1 of the submissions does not count toward it.

Conditions:
Unverricht-Lundborg syndrome. Also called: Unverricht-Lundborg Disease; Progressive myoclonus epilepsy baltic myoclonic epilepsy; Myoclonus progressive epilepsy of Unverricht and Lundborg; EPILEPSY, PROGRESSIVE MYOCLONIC, 1A; Myoclonic epilepsy of unverricht and lundborg; Epilepsy, progressive myoclonic 1A (Unverricht and Lundborg). Identifiers: Orphanet 308, MedGen C0751785, MONDO:0009698, OMIM 254800.

Submissions (2):

GeneReviews
No classification provided. Condition: Unverricht-Lundborg syndrome. Review status: no classification provided. Collection method: literature only. Allele origin: germline. Affected: yes. Not counted in ClinVar's aggregate classification.

Juha Muilu Group; Institute for Molecular Medicine Finland (FIMM)
Classification: Likely pathogenic for Unverricht-Lundborg syndrome. Review status: no assertion criteria provided. Collection method: not provided. Allele origin: unknown.
Comment: FinDis database variant: FinDis database variant: This variant was not found or characterized by our laboratory, data were collected from public sources: see reference
ClinVar note: Converted during submission from probable-pathogenic to Likely pathogenic.

Literature cited by the submitters: NCBI Bookshelf NBK1142 (cited by GeneReviews).

NM_000100.4(CSTB):c.169-2A>G

Gene: CSTB (cystatin B; minus strand). Cytogenetic location: 21q22.3.
Variant type: single nucleotide variant.
Coding change: c.169-2A>G on transcript NM_000100.4 (MANE Select); the canonical splice acceptor site of the intron before coding-DNA position 169, A replaced by G.
Molecular consequence: splice acceptor variant.
Genome position (GRCh38, 1-based): chr21:43,774,332, T>C on the plus strand (A>G on the coding strand, the complement: CSTB is on the minus strand). VCF-style: chr21-43774332-T-C. GRCh37 (hg19) VCF-style: chr21-45194213-T-C.
Identifiers: ClinVar variation 55959 (VCV000055959.3), dbSNP rs386833441, ClinGen allele CA344721.